The following is an entry in ClinVar:

NM_201596.3(CACNB2):c.924A>T (p.Leu308Phe)

Gene: CACNB2 (calcium voltage-gated channel auxiliary subunit beta 2; plus strand). Cytogenetic location: 10p12.31.
Variant type: single nucleotide variant.
Coding change: c.924A>T on transcript NM_201596.3 (MANE Select); coding-DNA position 924, A replaced by T.
Protein change: p.Leu308Phe; replaces leucine 308 with phenylalanine.
Molecular consequence: missense variant.
Genome position (GRCh38, 1-based): chr10:18,518,948, A>T. VCF-style: chr10-18518948-A-T. GRCh37 (hg19) VCF-style: chr10-18807877-A-T.
Other names: c.759A>T, p.Leu253Phe (NM_000724.4); c.726A>T, p.Leu242Phe (NM_001167945.2); c.645A>T, p.Leu215Phe (NM_001330060.2); c.666A>T, p.Leu222Phe (NM_001410882.1); c.780A>T, p.Leu260Phe (NM_201570.3); c.840A>T, p.Leu280Phe (NM_201571.4); c.768A>T, p.Leu256Phe (NM_201572.4); c.762A>T, p.Leu254Phe (NM_201590.3); and 2 more; short protein forms L254F, L256F, L270F, L284F, L215F, L222F, L260F, L308F.
Identifiers: ClinVar variation 3826733 (VCV003826733.2).

ClinVar aggregate classification (germline): Uncertain significance. Review status: criteria provided, multiple submitters, no conflicts (2 of 4 stars). 2 submissions from 2 submitters: Uncertain significance (2). Last evaluated 2025-12-13.

Conditions:
Brugada syndrome 4 (BRGDA4). Identifiers: Orphanet 130, MedGen C2678477, MONDO:0012743, OMIM 611876.
Cardiovascular phenotype. Identifiers: MedGen CN230736.

gnomAD v4.1: 9 of 1,613,798 alleles (0.00056%); highest among the groups gnomAD compares: Middle Eastern, 0.016%; no homozygotes.

Submissions (2):

Labcorp Genetics (formerly Invitae), Labcorp
Classification: Uncertain significance for Brugada syndrome 4. Last evaluated: 2025-12-13. Review status: criteria provided, single submitter. Criteria: Invitae Variant Classification Sherloc (09022015). Collection method: clinical testing. Allele origin: germline.
Comment: This sequence change replaces leucine, which is neutral and non-polar, with phenylalanine, which is neutral and non-polar, at codon 254 of the CACNB2 protein (p.Leu254Phe). This variant is present in population databases (no rsID available, gnomAD 0.01%). This variant has not been reported in the literature in individuals affected with CACNB2-related conditions. ClinVar contains an entry for this variant (Variation ID: 3826733). Invitae Evidence Modeling of protein sequence and biophysical properties (such as structural, functional, and spatial information, amino acid conservation, physicochemical variation, residue mobility, and thermodynamic stability) indicates that this missense variant is expected to disrupt CACNB2 protein function with a positive predictive value of 80%. In summary, the available evidence is currently insufficient to determine the role of this variant in disease. Therefore, it has been classified as a Variant of Uncertain Significance.

Ambry Genetics
Classification: Uncertain significance for Cardiovascular phenotype. Last evaluated: 2024-12-28. Review status: criteria provided, single submitter. Criteria: Ambry Variant Classification Scheme 2023. Collection method: clinical testing. Allele origin: germline.
Comment: The p.L254F variant (also known as c.762A>T), located in coding exon 8 of the CACNB2 gene, results from an A to T substitution at nucleotide position 762. The leucine at codon 254 is replaced by phenylalanine, an amino acid with highly similar properties. This amino acid position is conserved. In addition, the in silico prediction for this alteration is inconclusive. Based on the available evidence, the clinical significance of this variant remains unclear.